The following is an entry in ClinVar:

NM_001126108.2(SLC12A3):c.2530C>T (p.Leu844Phe)

Gene: SLC12A3 (solute carrier family 12 member 3; plus strand). Cytogenetic location: 16q13.
Variant type: single nucleotide variant.
Coding change: c.2530C>T on transcript NM_001126108.2 (MANE Select); coding-DNA position 2530, C replaced by T.
Protein change: p.Leu844Phe; replaces leucine 844 with phenylalanine.
Molecular consequence: missense variant.
Genome position (GRCh38, 1-based): chr16:56,894,539, C>T. VCF-style: chr16-56894539-C-T. GRCh37 (hg19) VCF-style: chr16-56928451-C-T.
Other names: c.2557C>T, p.Leu853Phe (NM_000339.3); c.2554C>T, p.Leu852Phe (NM_001126107.2); c.2527C>T, p.Leu843Phe (NM_001410896.1); short protein forms L852F, L853F, L843F, L844F.
Identifiers: ClinVar variation 1976660 (VCV001976660.2), dbSNP rs766549952, ClinGen allele CA8069960.
Genomic context (GRCh38, chr16:56,894,539, plus strand): 5'-GCTCTGTCCTGAGTGTATTCTTGTCATGACTCACGGGGACTCTCCTTGCCAGGCCTCACC[C>T]TCCTCATTCCCTATCTCCTTGGCCGCAAGAGGAGGTGGAGCAAATGCAAGATCCGTGTGT-3'
Protein context (NP_001119580.2, residues 834-854): YWLFDDGGLT[Leu844Phe]LIPYLLGRKR

ClinVar aggregate classification (germline): Uncertain significance (1 of 4 stars; one submission).

Allele frequency attached by ClinVar (database versions not stated): ExAC 0.00001; TOPMed 0.00002.
gnomAD v4.1: 3 of 1,613,218 alleles (0.00019%); highest among the groups gnomAD compares: Admixed American, 0.0033%; no homozygotes.

Submission:

Labcorp Genetics (formerly Invitae), Labcorp
Classification: Uncertain significance. Last evaluated: 2022-06-09. Review status: criteria provided, single submitter. Criteria: Invitae Variant Classification Sherloc (09022015). Collection method: clinical testing. Allele origin: germline.
Comment: This sequence change replaces leucine, which is neutral and non-polar, with phenylalanine, which is neutral and non-polar, at codon 853 of the SLC12A3 protein (p.Leu853Phe). This variant is present in population databases (rs766549952, gnomAD 0.006%). This variant has not been reported in the literature in individuals affected with SLC12A3-related conditions. Advanced modeling of protein sequence and biophysical properties (such as structural, functional, and spatial information, amino acid conservation, physicochemical variation, residue mobility, and thermodynamic stability) performed at Invitae indicates that this missense variant is expected to disrupt SLC12A3 protein function. In summary, the available evidence is currently insufficient to determine the role of this variant in disease. Therefore, it has been classified as a Variant of Uncertain Significance.